The following is an entry in ClinVar:

NM_001035.3(RYR2):c.856G>A (p.Gly286Arg)

Gene: RYR2 (ryanodine receptor 2; plus strand). Cytogenetic location: 1q43.
Variant type: single nucleotide variant.
Coding change: c.856G>A on transcript NM_001035.3 (MANE Select); coding-DNA position 856, G replaced by A.
Protein change: p.Gly286Arg; replaces glycine 286 with arginine.
Molecular consequence: missense variant.
Genome position (GRCh38, 1-based): chr1:237,423,099, G>A. VCF-style: chr1-237423099-G-A. GRCh37 (hg19) VCF-style: chr1-237586399-G-A.
Other names: short protein forms G286R.
Identifiers: ClinVar variation 927462 (VCV000927462.3), dbSNP rs1705760567, ClinGen allele CA345385140.

ClinVar aggregate classification (germline): Uncertain significance (1 of 4 stars; one submission).

Conditions:
Cardiomyopathy (CMYO). Also called: Cardiomyopathies. Identifiers: Orphanet 167848, MedGen C0878544, MONDO:0004994, HP:0001638. Inheritance: Various modes of inheritance.

Submission:

Color Diagnostics, LLC DBA Color Health
Classification: Uncertain significance for Cardiomyopathy. Last evaluated: 2020-02-07. Review status: criteria provided, single submitter. Criteria: ACMG Guidelines, 2015. Collection method: clinical testing. Allele origin: germline.
Comment: This missense variant replaces glycine with arginine at codon 286 of the RYR2 protein. Computational prediction suggests that this variant may have deleterious impact on protein structure and function (internally defined REVEL score threshold >= 0.7, PMID: 27666373). Splice site prediction tools suggest that this variant may not impact RNA splicing. To our knowledge, functional studies have not been performed for this variant. This variant has not been reported in individuals affected with cardiovascular disorders in the literature. This variant has not been identified in the general population by the Genome Aggregation Database (gnomAD). The available evidence is insufficient to determine the role of this variant in disease conclusively. Therefore, this variant is classified as a Variant of Uncertain Significance.